The following is an entry in ClinVar:

ClinVar aggregate classification (germline): Likely pathogenic (1 of 4 stars; one submission).

Conditions:
Autosomal recessive limb-girdle muscular dystrophy type 2J (LGMDR10). Also called: Limb-girdle muscular dystrophy, type 2J; MUSCULAR DYSTROPHY, LIMB-GIRDLE, AUTOSOMAL RECESSIVE 10. Identifiers: Orphanet 140922, MedGen C1837342, MONDO:0012127, OMIM 608807.
Dilated cardiomyopathy 1G (CMD1G). Identifiers: Orphanet 154, MedGen C1858763, MONDO:0011400, OMIM 604145.

Submission:

Labcorp Genetics (formerly Invitae), Labcorp
Classification: Likely pathogenic for Dilated cardiomyopathy 1G; Autosomal recessive limb-girdle muscular dystrophy type 2J. Last evaluated: 2025-09-27. Review status: criteria provided, single submitter. Criteria: Invitae Variant Classification Sherloc (09022015). Collection method: clinical testing. Allele origin: germline.
Comment: This sequence change creates a premature translational stop signal (p.Ser23361Thrfs*4) in the TTN gene. While this is not anticipated to result in nonsense mediated decay, it is expected to create a truncated TTN protein. This variant is not present in population databases (gnomAD no frequency). This variant has not been reported in the literature in individuals affected with TTN-related conditions. This variant is located in the A band of TTN (PMID: 25589632). Truncating variants in this region are significantly overrepresented in patients affected with dilated cardiomyopathy (PMID: 25589632). Truncating variants in this region have also been reported in individuals affected with autosomal recessive centronuclear myopathy (PMID: 23975875). In summary, the currently available evidence indicates that the variant is pathogenic, but additional data are needed to prove that conclusively. Therefore, this variant has been classified as Likely Pathogenic.

Literature cited by the submitters: PubMed 25589632; PubMed 23975875.

NM_001267550.2(TTN):c.70078_70081dup (p.Ser23361fs)

Genes: TTN (titin; minus strand), TTN-AS1 (TTN antisense RNA 1; plus strand), LOC126806422 (BRD4-independent group 4 enhancer GRCh37_chr2:179440205-179441404; plus strand). Cytogenetic location: 2q31.2.
Variant type: Duplication.
Coding change: c.70078_70081dup on transcript NM_001267550.2 (MANE Select); coding-DNA positions 70078 to 70081, 4 bases duplicated (CTCA; older notation c.70078_70081dupCTCA).
Protein change: p.Ser23361fs; shifts the reading frame from serine 23361.
Molecular consequence: frameshift variant.
Genome position (GRCh38, 1-based): chr2:178,576,051-178,576,054, TGAG duplicated on the plus strand (CTCA on the coding strand, the reverse complement: TTN is on the minus strand); duplicating any 4 consecutive bases within chr2:178,576,051-178,576,055 gives the same sequence; the c. name uses the placement nearest the transcript's 3' end. VCF-style (leftmost placement, unchanged base first): chr2-178576050-C-CTGAG. GRCh37 (hg19) VCF-style: chr2-179440777-C-CTGAG.
Other names: c.65155_65158dup, p.Ser21720fs (NM_001256850.1); c.42883_42886dup, p.Ser14296fs (NM_003319.4); c.62374_62377dup, p.Ser20793fs (NM_133378.4); c.43258_43261dup, p.Ser14421fs (NM_133432.3); c.43459_43462dup, p.Ser14488fs (NM_133437.4); short protein forms S14296fs, S14488fs, S14421fs, S20793fs, S23361fs, S21720fs.
Identifiers: ClinVar variation 4786241 (VCV004786241.1).
Genomic context (GRCh38, chr2:178,576,050, plus strand): 5'-TCTTTGGTCCATGTCACTTCAGGAGCAGGACGACCTTTAATTGGCACAAATATCCTAATA[C>CTGAG]TGAGTCCTGCTCTAACAACAAGTGTTCTTCGAAGCTCGGCATCTAGTTCAAAATCAGGAG-3'